The following is an entry in ClinVar:

ClinVar aggregate classification (germline): Uncertain significance (1 of 4 stars; one submission).

Conditions:
Gastrointestinal stromal tumor. Also called: Gastrointestinal stromal tumor, somatic; Gastrointestinal stroma tumor. Identifiers: Orphanet 44890, MedGen C0238198, MeSH D046152, MONDO:0011719, OMIM 606764, HP:0100723.

Submission:

Labcorp Genetics (formerly Invitae), Labcorp
Classification: Uncertain significance for Gastrointestinal stromal tumor. Last evaluated: 2024-09-02. Review status: criteria provided, single submitter. Criteria: Invitae Variant Classification Sherloc (09022015). Collection method: clinical testing. Allele origin: germline.
Comment: This sequence change replaces valine, which is neutral and non-polar, with alanine, which is neutral and non-polar, at codon 168 of the PDGFRA protein (p.Val168Ala). This variant is not present in population databases (gnomAD no frequency). This variant has not been reported in the literature in individuals affected with PDGFRA-related conditions. Invitae Evidence Modeling of protein sequence and biophysical properties (such as structural, functional, and spatial information, amino acid conservation, physicochemical variation, residue mobility, and thermodynamic stability) indicates that this missense variant is not expected to disrupt PDGFRA protein function with a negative predictive value of 80%. In summary, the available evidence is currently insufficient to determine the role of this variant in disease. Therefore, it has been classified as a Variant of Uncertain Significance.

NM_006206.6(PDGFRA):c.503T>C (p.Val168Ala)

Gene: PDGFRA (platelet derived growth factor receptor alpha; plus strand). Cytogenetic location: 4q12.
Variant type: single nucleotide variant.
Coding change: c.503T>C on transcript NM_006206.6 (MANE Select); coding-DNA position 503, T replaced by C.
Protein change: p.Val168Ala; replaces valine 168 with alanine.
Molecular consequence: missense variant.
Genome position (GRCh38, 1-based): chr4:54,263,802, T>C. VCF-style: chr4-54263802-T-C. GRCh37 (hg19) VCF-style: chr4-55129969-T-C.
Other names: c.503T>C, p.Val168Ala (NM_001347827.2, NM_001347829.2); c.578T>C, p.Val193Ala (NM_001347828.2); c.542T>C, p.Val181Ala (NM_001347830.2); short protein forms V181A, V193A, V168A.
Identifiers: ClinVar variation 3664238 (VCV003664238.2).